The following is an entry in ClinVar:

NM_004821.3(HAND1):c.122A>G (p.Tyr41Cys)

Gene: HAND1 (heart and neural crest derivatives expressed 1; minus strand). Cytogenetic location: 5q33.2.
Variant type: single nucleotide variant.
Coding change: c.122A>G on transcript NM_004821.3 (MANE Select); coding-DNA position 122, A replaced by G.
Protein change: p.Tyr41Cys; replaces tyrosine 41 with cysteine.
Molecular consequence: missense variant.
Genome position (GRCh38, 1-based): chr5:154,477,887, T>C on the plus strand (A>G on the coding strand, the complement: HAND1 is on the minus strand). VCF-style: chr5-154477887-T-C. GRCh37 (hg19) VCF-style: chr5-153857447-T-C.
Other names: c.122A>G (NM_004821.2); short protein forms Y41C.
Identifiers: ClinVar variation 1034420 (VCV001034420.11), dbSNP rs564241048, ClinGen allele CA3526639.

ClinVar aggregate classification (germline): Uncertain significance. Review status: criteria provided, multiple submitters, no conflicts (2 of 4 stars). 2 submissions from 2 submitters: Uncertain significance (2). Last evaluated 2026-01-15.

Conditions:
Hypoplastic left heart syndrome. Also called: Hypoplastic left ventricle; Hypoplastic left heart. Identifiers: Orphanet 2248, MedGen C0152101, MONDO:0004933, HP:0004383.

Allele frequency attached by ClinVar (database versions not stated): 1000 Genomes Project 30x 0.00016; 1000 Genomes Project 0.00020; TOPMed 0.00002; gnomAD 0.00004; gnomAD exomes 0.00004.

Submissions (2):

Labcorp Genetics (formerly Invitae), Labcorp
Classification: Uncertain significance for Hypoplastic left heart syndrome. Last evaluated: 2026-01-15. Review status: criteria provided, single submitter. Criteria: Invitae Variant Classification Sherloc (09022015). Collection method: clinical testing. Allele origin: germline.
Comment: This sequence change replaces tyrosine, which is neutral and polar, with cysteine, which is neutral and slightly polar, at codon 41 of the HAND1 protein (p.Tyr41Cys). This variant is present in population databases (rs564241048, gnomAD 0.04%). This missense change has been observed in individual(s) with pulmonary stenosis with ventricular septal defect (PMID: 37406974). ClinVar contains an entry for this variant (Variation ID: 1034420). An algorithm developed to predict the effect of missense changes on protein structure and function (PolyPhen-2) suggests that this variant is likely to be disruptive. In summary, the available evidence is currently insufficient to determine the role of this variant in disease. Therefore, it has been classified as a Variant of Uncertain Significance.

Ambry Genetics
Classification: Uncertain significance. Last evaluated: 2025-08-28. Review status: criteria provided, single submitter. Criteria: Ambry Variant Classification Scheme 2023. Collection method: clinical testing. Allele origin: germline.

Literature cited by the submitters: PubMed 37406974 (cited by Labcorp Genetics (formerly Invitae), Labcorp).